The following is an entry in ClinVar:

ClinVar aggregate classification (germline): Likely benign (0 of 4 stars; one submission).

Conditions:
RNF212-related disorder. Also called: RNF212-related condition.

Allele frequency attached by ClinVar (database versions not stated): 1000 Genomes Project 0.13998; gnomAD 0.03324.

Submission:

PreventionGenetics, part of Exact Sciences
Classification: Likely benign for RNF212-related condition. Last evaluated: 2022-03-11. Review status: no assertion criteria provided. Collection method: clinical testing. Allele origin: germline.
Comment: This variant is classified as likely benign based on ACMG/AMP sequence variant interpretation guidelines (Richards et al. 2015 PMID: 25741868, with internal and published modifications).

NM_001366918.1(RNF212):c.647+9C>T

Gene: RNF212 (ring finger protein 212; minus strand). Cytogenetic location: 4p16.3.
Variant type: single nucleotide variant.
Coding change: c.647+9C>T on transcript NM_001366918.1; 9 bases into the intron after coding-DNA position 647, C replaced by T.
Molecular consequence: intron variant.
Genome position (GRCh38, 1-based): chr4:1,058,312, G>A on the plus strand (C>T on the coding strand, the complement: RNF212 is on the minus strand). VCF-style: chr4-1058312-G-A. GRCh37 (hg19) VCF-style: chr4-1052100-G-A.
Other names: c.647+9C>T (NM_001366919.1).
Identifiers: ClinVar variation 3032404 (VCV003032404.2), dbSNP rs57186616, ClinGen allele CA91156963.